The following is an entry in ClinVar:

NM_020831.6(MRTFA):c.1131GCA[6] (p.Gln381dup)

Gene: MRTFA (myocardin related transcription factor A; minus strand). Cytogenetic location: 22q13.1.
Variant type: Microsatellite.
Coding change: c.1131GCA[6] on transcript NM_020831.6 (MANE Select); six copies in a row of the 3-base unit GCA starting at c.1131; the reference has five copies in a row; one copy, 3 bases duplicated.
Protein change: p.Gln381dup; duplicates glutamine 381.
Molecular consequence: inframe insertion.
Genome position (GRCh38, 1-based): chr22:40,420,883-40,420,885, TGC duplicated on the plus strand (GCA on the coding strand, the reverse complement: MRTFA is on the minus strand); duplicating any 3 consecutive bases within chr22:40,420,883-40,420,899 gives the same sequence; the position shown is the placement nearest the transcript's 3' end. VCF-style (leftmost placement, unchanged base first): chr22-40420882-G-GTGC. GRCh37 (hg19) VCF-style: chr22-40816886-G-GTGC.
Other names: c.831GCA[6], p.Gln281dup (NM_001282660.2); c.981GCA[6], p.Gln331dup (NM_001282661.3); c.1131GCA[6], p.Gln381dup (NM_001282662.3); c.936GCA[6], p.Gln316dup (NM_001318139.2).
Identifiers: ClinVar variation 1683118 (VCV001683118.9), dbSNP rs751939334, ClinGen allele CA10249788.

ClinVar aggregate classification (germline): Uncertain significance. Review status: criteria provided, multiple submitters, no conflicts (2 of 4 stars). 2 submissions from 2 submitters: Uncertain significance (2). Last evaluated 2025-07-24.

Submissions (2):

Labcorp Genetics (formerly Invitae), Labcorp
Classification: Uncertain significance. Last evaluated: 2025-07-24. Review status: criteria provided, single submitter. Criteria: Invitae Variant Classification Sherloc (09022015). Collection method: clinical testing. Allele origin: germline.
Comment: This variant, c.843_845dup, results in the insertion of 1 amino acid(s) of the MKL1 protein (p.Gln281dup), but otherwise preserves the integrity of the reading frame. This variant is present in population databases (rs751939334, gnomAD 0.007%). This variant has not been reported in the literature in individuals affected with MKL1-related conditions. Experimental studies and prediction algorithms are not available or were not evaluated, and the functional significance of this variant is currently unknown. In summary, the available evidence is currently insufficient to determine the role of this variant in disease. Therefore, it has been classified as a Variant of Uncertain Significance.

Breakthrough Genomics
Classification: Uncertain significance. Review status: criteria provided, single submitter. Criteria: ACMG Guidelines, 2015. Collection method: not provided. Allele origin: germline. Inheritance: Autosomal dominant inheritance. Affected: yes.